The following is an entry in ClinVar:

NM_153026.3(PRICKLE1):c.266T>A (p.Leu89Ter)

Genes: PRICKLE1 (prickle planar cell polarity protein 1; minus strand), LOC130007700 (ATAC-STARR-seq lymphoblastoid active region 6212; plus strand). Cytogenetic location: 12q12.
Variant type: single nucleotide variant.
Coding change: c.266T>A on transcript NM_153026.3 (MANE Select); coding-DNA position 266, T replaced by A.
Protein change: p.Leu89Ter; replaces leucine 89 with a stop codon.
Molecular consequence: nonsense.
Genome position (GRCh38, 1-based): chr12:42,469,568, A>T on the plus strand (T>A on the coding strand, the complement: PRICKLE1 is on the minus strand). VCF-style: chr12-42469568-A-T. GRCh37 (hg19) VCF-style: chr12-42863370-A-T.
Other names: c.266T>A, p.Leu89Ter (NM_001144881.2, NM_001144882.2, NM_001144883.2); short protein forms L89*.
Identifiers: ClinVar variation 1378942 (VCV001378942.6), dbSNP rs868235074, ClinGen allele CA235494155.

ClinVar aggregate classification (germline): Uncertain significance (1 of 4 stars; one submission).

Conditions:
Epilepsy, progressive myoclonic, 1B. Also called: PME. Identifiers: Orphanet 308, MedGen C2676254, MONDO:0012904, OMIM 612437.

Submission:

Labcorp Genetics (formerly Invitae), Labcorp
Classification: Uncertain significance for Epilepsy, progressive myoclonic, 1B. Last evaluated: 2023-07-21. Review status: criteria provided, single submitter. Criteria: Invitae Variant Classification Sherloc (09022015). Collection method: clinical testing. Allele origin: germline.
Comment: This sequence change creates a premature translational stop signal (p.Leu89*) in the PRICKLE1 gene. It is expected to result in an absent or disrupted protein product. However, the current clinical and genetic evidence is not sufficient to establish whether loss-of-function variants in PRICKLE1 cause disease. This variant is not present in population databases (gnomAD no frequency). This variant has not been reported in the literature in individuals affected with PRICKLE1-related conditions. ClinVar contains an entry for this variant (Variation ID: 1378942). In summary, the available evidence is currently insufficient to determine the role of this variant in disease. Therefore, it has been classified as a Variant of Uncertain Significance.